The following is an entry in ClinVar:

ClinVar aggregate classification (germline): Likely benign. Review status: criteria provided, multiple submitters, no conflicts (2 of 4 stars). 2 submissions from 2 submitters: Likely benign (2). Last evaluated 2026-06-03.

Conditions:
Ellis-van Creveld syndrome (EVC). Also called: MESOECTODERMAL DYSPLASIA; Chondroectodermal dysplasia. Identifiers: Orphanet 289, MedGen C0013903, MONDO:0009162, OMIM 225500.
Curry-Hall syndrome (WAD). Also called: WEYERS ACRODENTAL DYSOSTOSIS. Identifiers: Orphanet 952, MedGen C0457013, MONDO:0008673, OMIM 193530.

Allele frequency attached by ClinVar (database versions not stated): gnomAD exomes 0.00001; TOPMed 0.00001.
gnomAD v4.1: 4 of 1,614,086 alleles (0.00025%); highest among the groups gnomAD compares: South Asian, 0.0033%; no homozygotes.

Submissions (2):

Women's Health and Genetics/Laboratory Corporation of America, LabCorp
Classification: Likely benign. Last evaluated: 2026-06-03. Review status: criteria provided, single submitter. Criteria: LabCorp Variant Classification Summary - May 2015. Collection method: clinical testing. Allele origin: germline.
Comment: Variant summary: EVC2 c.1470+8A>G alters a nucleotide located at a position not widely known to affect splicing. Consensus agreement among computation tools predict no significant impact on normal splicing. However, these predictions have yet to be confirmed by functional studies. The variant allele was found at a frequency of 1.6e-05 in 251094 control chromosomes. The available data on variant occurrences in the general population are insufficient to allow any conclusion about variant significance. To our knowledge, no occurrence of c.1470+8A>G in individuals affected with EVC2-related conditions and no experimental evidence demonstrating its impact on protein function have been reported. ClinVar contains an entry for this variant (Variation ID: 1089155). Based on the evidence outlined above, the variant was classified as likely benign.

Labcorp Genetics (formerly Invitae), Labcorp
Classification: Likely benign for Curry-Hall syndrome; Ellis-van Creveld syndrome. Last evaluated: 2024-01-27. Review status: criteria provided, single submitter. Criteria: Invitae Variant Classification Sherloc (09022015). Collection method: clinical testing. Allele origin: germline.

NM_147127.5(EVC2):c.1470+8A>G

Genes: EVC2 (EvC ciliary complex subunit 2; minus strand), LOC126806961 (BRD4-independent group 4 enhancer GRCh37_chr4:5641443-5642642; plus strand). Cytogenetic location: 4p16.2.
Variant type: single nucleotide variant.
Coding change: c.1470+8A>G on transcript NM_147127.5 (MANE Select); 8 bases into the intron after coding-DNA position 1470, A replaced by G.
Molecular consequence: intron variant.
Genome position (GRCh38, 1-based): chr4:5,640,506, T>C on the plus strand (A>G on the coding strand, the complement: EVC2 is on the minus strand). VCF-style: chr4-5640506-T-C. GRCh37 (hg19) VCF-style: chr4-5642233-T-C.
Other names: c.1230+8A>G (NM_001166136.2).
Identifiers: ClinVar variation 1089155 (VCV001089155.11), dbSNP rs761155878, ClinGen allele CA2835056.